The following is an entry in ClinVar:

ClinVar aggregate classification (germline): Benign (0 of 4 stars; one submission).

Conditions:
CPB1-related disorder. Also called: CPB1-related condition.

Allele frequency attached by ClinVar (database versions not stated): ESP Exome Variant Server 0.00008; ExAC 0.00070; 1000 Genomes Project 30x 0.00094; 1000 Genomes Project 0.00120.

Submission:

PreventionGenetics, part of Exact Sciences
Classification: Benign for CPB1-related condition. Last evaluated: 2019-05-22. Review status: no assertion criteria provided. Collection method: clinical testing. Allele origin: germline.
Comment: This variant is classified as benign based on ACMG/AMP sequence variant interpretation guidelines (Richards et al. 2015 PMID: 25741868, with internal and published modifications).

NM_001871.3(CPB1):c.125G>A (p.Arg42His)

Gene: CPB1 (carboxypeptidase B1; plus strand). Cytogenetic location: 3q24.
Variant type: single nucleotide variant.
Coding change: c.125G>A on transcript NM_001871.3 (MANE Select); coding-DNA position 125, G replaced by A.
Protein change: p.Arg42His; replaces arginine 42 with histidine.
Molecular consequence: missense variant.
Genome position (GRCh38, 1-based): chr3:148,828,055, G>A. VCF-style: chr3-148828055-G-A. GRCh37 (hg19) VCF-style: chr3-148545842-G-A.
Other names: short protein forms R42H.
Identifiers: ClinVar variation 3037191 (VCV003037191.2), dbSNP rs193238667, ClinGen allele CA2657506.
Genomic context (GRCh38, chr3:148,828,055, plus strand): 5'-TATTCAGCGAGAAGGTGTTCCGTGTTAACGTTGAAGATGAAAATCACATTAACATAATCC[G>A]CGAGTTGGCCAGCACGACCCAGGTAAGTAACAATTTTGATTTACTTCACATCTAATTTAA-3'
Protein context (NP_001862.2, residues 32-52): VEDENHINII[Arg42His]ELASTTQIDF